The following is an entry in ClinVar:

NM_001384140.1(PCDH15):c.1522A>G (p.Thr508Ala)

Gene: PCDH15 (protocadherin related 15; minus strand). Cytogenetic location: 10q21.1.
Variant type: single nucleotide variant.
Coding change: c.1522A>G on transcript NM_001384140.1 (MANE Select); coding-DNA position 1522, A replaced by G.
Protein change: p.Thr508Ala; replaces threonine 508 with alanine.
Molecular consequence: missense variant.
Genome position (GRCh38, 1-based): chr10:54,183,512, T>C on the plus strand (A>G on the coding strand, the complement: PCDH15 is on the minus strand). VCF-style: chr10-54183512-T-C. GRCh37 (hg19) VCF-style: chr10-55943272-T-C.
Other names: c.1537A>G, p.Thr513Ala (NM_001142763.2, NM_001142771.2); c.1522A>G, p.Thr508Ala (NM_001142764.2, NM_001142765.2, NM_001142766.2 and 6 more transcripts); c.1411A>G, p.Thr471Ala (NM_001142767.2); c.1456A>G, p.Thr486Ala (NM_001142768.2, NM_001142773.2, NM_001354404.2); c.1558A>G, p.Thr520Ala (NM_001142769.4); c.1543A>G, p.Thr515Ala (NM_001354411.2); short protein forms T471A, T486A, T508A, T513A, T515A, T520A.
Identifiers: ClinVar variation 1003000 (VCV001003000.5), dbSNP rs570048496, ClinGen allele CA5506349.

ClinVar aggregate classification (germline): Uncertain significance. Review status: criteria provided, single submitter (1 of 4 stars). 2 submissions from 2 submitters: Uncertain significance (1). 1 of the submissions does not count toward it. Last evaluated 2025-10-27.

Conditions:
Usher syndrome type 1F (USH1F). Also called: USHER SYNDROME, TYPE IF. Identifiers: Orphanet 231169, Orphanet 886, MedGen C1865885, MONDO:0011186, OMIM 602083.

Allele frequency attached by ClinVar (database versions not stated): gnomAD 0.00001; gnomAD exomes 0.00001; ExAC 0.00002; TOPMed 0.00002; 1000 Genomes Project 30x 0.00016; 1000 Genomes Project 0.00020.
gnomAD v4.1: 12 of 1,613,798 alleles (0.00074%); highest among the groups gnomAD compares: South Asian, 0.0077%; no homozygotes.

Submissions (2):

Labcorp Genetics (formerly Invitae), Labcorp
Classification: Uncertain significance. Last evaluated: 2025-10-27. Review status: criteria provided, single submitter. Criteria: Invitae Variant Classification Sherloc (09022015). Collection method: clinical testing. Allele origin: germline.
Comment: This sequence change replaces threonine, which is neutral and polar, with alanine, which is neutral and non-polar, at codon 508 of the PCDH15 protein (p.Thr508Ala). This variant is present in population databases (rs570048496, gnomAD 0.006%). This variant has not been reported in the literature in individuals affected with PCDH15-related conditions. ClinVar contains an entry for this variant (Variation ID: 1003000). Invitae Evidence Modeling of protein sequence and biophysical properties (such as structural, functional, and spatial information, amino acid conservation, physicochemical variation, residue mobility, and thermodynamic stability) indicates that this missense variant is not expected to disrupt PCDH15 protein function with a negative predictive value of 95%. In summary, the available evidence is currently insufficient to determine the role of this variant in disease. Therefore, it has been classified as a Variant of Uncertain Significance.

Natera, Inc.
Classification: Uncertain significance for Usher syndrome type 1F. Last evaluated: 2020-07-05. Review status: no assertion criteria provided. Collection method: clinical testing. Allele origin: germline. Not counted in ClinVar's aggregate classification.